The following is an entry in ClinVar:

ClinVar aggregate classification (germline): Uncertain significance (1 of 4 stars; one submission).

Submission:

CeGaT Center for Human Genetics Tuebingen
Classification: Uncertain significance. Last evaluated: 2024-09-01. Review status: criteria provided, single submitter. Criteria: CeGaT Center For Human Genetics Tuebingen Variant Classification Criteria Version 2. Collection method: clinical testing. Allele origin: germline. Affected: yes. Observed: 1 variant allele.
Comment: GRIN2B: PM4:Supporting

NM_000834.5(GRIN2B):c.3421_3423del (p.Glu1141del)

Gene: GRIN2B (glutamate ionotropic receptor NMDA type subunit 2B; minus strand). Cytogenetic location: 12p13.1.
Variant type: Deletion.
Coding change: c.3421_3423del on transcript NM_000834.5 (MANE Select); coding-DNA positions 3421 to 3423, 3 bases deleted (GAG; older notation c.3421_3423delGAG).
Protein change: p.Glu1141del; deletes glutamic acid 1141.
Molecular consequence: inframe deletion.
Genome position (GRCh38, 1-based): chr12:13,563,815-13,563,817, CTC deleted on the plus strand (GAG on the coding strand, the reverse complement: GRIN2B is on the minus strand); deleting any 3 consecutive bases within chr12:13,563,815-13,563,819 gives the same sequence; the c. name uses the placement nearest the transcript's 3' end. VCF-style (leftmost placement, unchanged base first): chr12-13563814-TCTC-T. GRCh37 (hg19) VCF-style: chr12-13716748-TCTC-T.
Other names: c.3421_3423del, p.Glu1141del (NM_001413992.1); short protein forms E1141del.
Identifiers: ClinVar variation 3389563 (VCV003389563.14).